The following is an entry in ClinVar:

NM_003640.5(ELP1):c.208C>G (p.Arg70Gly)

Gene: ELP1 (elongator acetyltransferase complex subunit 1; minus strand). Cytogenetic location: 9q31.3.
Variant type: single nucleotide variant.
Coding change: c.208C>G on transcript NM_003640.5 (MANE Select); coding-DNA position 208, C replaced by G.
Protein change: p.Arg70Gly; replaces arginine 70 with glycine.
Molecular consequence: missense variant. On other transcripts: 5 prime UTR variant (2).
Genome position (GRCh38, 1-based): chr9:108,929,864, G>C on the plus strand (C>G on the coding strand, the complement: ELP1 is on the minus strand). VCF-style: chr9-108929864-G-C. GRCh37 (hg19) VCF-style: chr9-111692144-G-C.
Other names: c.-135C>G (NM_001318360.2); c.-652C>G (NM_001330749.2); short protein forms R70G.
Identifiers: ClinVar variation 1800288 (VCV001800288.2), dbSNP rs3737311, ClinGen allele CA374394263.

ClinVar aggregate classification (germline): Uncertain significance (1 of 4 stars; one submission).

Submission:

Ambry Genetics
Classification: Uncertain significance. Last evaluated: 2020-05-21. Review status: criteria provided, single submitter. Criteria: Ambry Variant Classification Scheme 2023. Collection method: clinical testing. Allele origin: germline.
Comment: The p.R70G variant (also known as c.208C>G), located in coding exon 2 of the IKBKAP gene, results from a C to G substitution at nucleotide position 208. The arginine at codon 70 is replaced by glycine, an amino acid with dissimilar properties. This amino acid position is poorly conserved in available vertebrate species. In addition, this alteration is predicted to be tolerated by in silico analysis. Since supporting evidence is limited at this time, the clinical significance of this alteration remains unclear.